The following is an entry in ClinVar:

NM_001378418.1(TCF20):c.2957C>T (p.Thr986Met)

Gene: TCF20 (transcription factor 20; minus strand). Cytogenetic location: 22q13.2.
Variant type: single nucleotide variant.
Coding change: c.2957C>T on transcript NM_001378418.1 (MANE Select); coding-DNA position 2957, C replaced by T.
Protein change: p.Thr986Met; replaces threonine 986 with methionine.
Molecular consequence: missense variant.
Genome position (GRCh38, 1-based): chr22:42,212,349, G>A on the plus strand (C>T on the coding strand, the complement: TCF20 is on the minus strand). VCF-style: chr22-42212349-G-A. GRCh37 (hg19) VCF-style: chr22-42608355-G-A.
Other names: c.2957C>T (NM_005650.3, NM_005650.1); c.2957C>T, p.Thr986Met (NM_005650.4, NM_181492.3); short protein forms T986M.
Identifiers: ClinVar variation 2201364 (VCV002201364.20), dbSNP rs780984632, ClinGen allele CA10266928.

ClinVar aggregate classification (germline): Conflicting classifications of pathogenicity. Review status: criteria provided, conflicting classifications (1 of 4 stars). 4 submissions from 4 submitters: Uncertain significance (1); Likely benign (2). 1 of the submissions does not count toward it. Last evaluated 2025-09-01.

Conditions:
TCF20-related disorder. Also called: TCF20-related condition.
Inborn genetic diseases. Identifiers: MedGen C0950123, MeSH D030342.

Allele frequency attached by ClinVar (database versions not stated): TOPMed 0.00002; ExAC 0.00003; gnomAD exomes 0.00003; gnomAD 0.00005.
gnomAD v4.1: 47 of 1,614,112 alleles (0.0029%); highest among the groups gnomAD compares: Admixed American, 0.0067%; no homozygotes.

Submissions (4):

CeGaT Center for Human Genetics Tuebingen
Classification: Likely benign. Last evaluated: 2025-09-01. Review status: criteria provided, single submitter. Criteria: CeGaT Center For Human Genetics Tuebingen Variant Classification Criteria Version 2. Collection method: clinical testing. Allele origin: germline. Affected: yes. Observed: 2 variant alleles.
Comment: TCF20: BP4

Labcorp Genetics (formerly Invitae), Labcorp
Classification: Uncertain significance. Last evaluated: 2025-01-30. Review status: criteria provided, single submitter. Criteria: Invitae Variant Classification Sherloc (09022015). Collection method: clinical testing. Allele origin: germline.
Comment: This sequence change replaces threonine, which is neutral and polar, with methionine, which is neutral and non-polar, at codon 986 of the TCF20 protein (p.Thr986Met). This variant is present in population databases (rs780984632, gnomAD 0.009%). This variant has not been reported in the literature in individuals affected with TCF20-related conditions. ClinVar contains an entry for this variant (Variation ID: 2201364). An algorithm developed to predict the effect of missense changes on protein structure and function (PolyPhen-2) suggests that this variant is likely to be tolerated. In summary, the available evidence is currently insufficient to determine the role of this variant in disease. Therefore, it has been classified as a Variant of Uncertain Significance.

Ambry Genetics
Classification: Likely benign for Inborn genetic diseases. Last evaluated: 2024-06-26. Review status: criteria provided, single submitter. Criteria: Ambry Variant Classification Scheme 2023. Collection method: clinical testing. Allele origin: germline.

PreventionGenetics, part of Exact Sciences
Classification: Uncertain significance for TCF20-related condition. Last evaluated: 2023-10-26. Review status: no assertion criteria provided. Collection method: clinical testing. Allele origin: germline. Not counted in ClinVar's aggregate classification.
Comment: The TCF20 c.2957C>T variant is predicted to result in the amino acid substitution p.Thr986Met. To our knowledge, this variant has not been reported in the literature. This variant is reported in 0.0085% of alleles in individuals of Latino descent in gnomAD. At this time, the clinical significance of this variant is uncertain due to the absence of conclusive functional and genetic evidence.